The following is an entry in ClinVar:

ClinVar aggregate classification (germline): Pathogenic (1 of 4 stars; one submission).

Conditions:
Capillary malformation-arteriovenous malformation syndrome. Also called: Capillary malformation-arteriovenous malformation. Identifiers: Orphanet 137667, MedGen C1842180, MONDO:0012016.

Submission:

Labcorp Genetics (formerly Invitae), Labcorp
Classification: Pathogenic for Capillary malformation-arteriovenous malformation syndrome. Last evaluated: 2019-11-19. Review status: criteria provided, single submitter. Criteria: Invitae Variant Classification Sherloc (09022015). Collection method: clinical testing. Allele origin: germline.
Comment: For these reasons, this variant has been classified as Pathogenic. Loss-of-function variants in RASA1 are known to be pathogenic (PMID: 24038909). This variant has not been reported in the literature in individuals with RASA1-related conditions. This variant is not present in population databases (ExAC no frequency). This sequence change creates a premature translational stop signal (p.His599Valfs*4) in the RASA1 gene. It is expected to result in an absent or disrupted protein product.

Literature cited by the submitters: PubMed 24038909.

NM_002890.3(RASA1):c.1795delinsGTAAA (p.His599fs)

Genes: CCNH (cyclin H; minus strand), RASA1 (RAS p21 protein activator 1; plus strand). Cytogenetic location: 5q14.3.
Variant type: Indel.
Coding change: c.1795delinsGTAAA on transcript NM_002890.3 (MANE Select); coding-DNA position 1795, C replaced by GTAAA.
Protein change: p.His599fs; shifts the reading frame from histidine 599.
Molecular consequence: frameshift variant. On other transcripts: intron variant (1).
Genome position (GRCh38, 1-based): chr5:87,374,181, C replaced by GTAAA. VCF-style: chr5-87374181-C-GTAAA. GRCh37 (hg19) VCF-style: chr5-86669998-C-GTAAA.
Other names: c.1264delinsGTAAA, p.His422fs (NM_022650.3); c.933+20863delinsTTTAC (NM_001364075.2); short protein forms H422fs, H599fs.
Identifiers: ClinVar variation 966395 (VCV000966395.7), dbSNP rs1761153296, ClinGen allele CA1139658952.